The following is an entry in ClinVar:

NM_025215.6(PUS1):c.304-7T>C

Gene: PUS1 (pseudouridine synthase 1; plus strand). Cytogenetic location: 12q24.33.
Variant type: single nucleotide variant.
Coding change: c.304-7T>C on transcript NM_025215.6 (MANE Select); 7 bases into the intron before coding-DNA position 304, T replaced by C.
Molecular consequence: intron variant.
Genome position (GRCh38, 1-based): chr12:131,932,168, T>C. VCF-style: chr12-131932168-T-C. GRCh37 (hg19) VCF-style: chr12-132416713-T-C.
Other names: c.304-7T>C (NM_025215.5); c.220-7T>C (NM_001002019.3, NM_001002020.3).
Identifiers: ClinVar variation 1644410 (VCV001644410.10), dbSNP rs770047109, ClinGen allele CA6884086.

ClinVar aggregate classification (germline): Likely benign. Review status: criteria provided, single submitter (1 of 4 stars). 2 submissions from 2 submitters: Likely benign (1). 1 of the submissions does not count toward it. Last evaluated 2022-10-21.

Conditions:
PUS1-related disorder. Also called: PUS1-related condition.

Allele frequency attached by ClinVar (database versions not stated): ExAC 0.00001; gnomAD exomes 0.00001.
gnomAD v4.1: 7 of 1,613,916 alleles (0.00043%); highest among the groups gnomAD compares: Non-Finnish European, 0.00059%; no homozygotes.

Submissions (2):

Labcorp Genetics (formerly Invitae), Labcorp
Classification: Likely benign. Last evaluated: 2022-10-21. Review status: criteria provided, single submitter. Criteria: Invitae Variant Classification Sherloc (09022015). Collection method: clinical testing. Allele origin: germline.

PreventionGenetics, part of Exact Sciences
Classification: Likely benign for PUS1-related condition. Last evaluated: 2020-05-12. Review status: no assertion criteria provided. Collection method: clinical testing. Allele origin: germline. Not counted in ClinVar's aggregate classification.
Comment: This variant is classified as likely benign based on ACMG/AMP sequence variant interpretation guidelines (Richards et al. 2015 PMID: 25741868, with internal and published modifications).